The following is an entry in ClinVar:

NM_198076.6(COX20):c.157+13A>G

Gene: COX20 (cytochrome c oxidase assembly factor COX20; plus strand). Cytogenetic location: 1q44.
Variant type: single nucleotide variant.
Coding change: c.157+13A>G on transcript NM_198076.6 (MANE Select); 13 bases into the intron after coding-DNA position 157, A replaced by G.
Molecular consequence: intron variant.
Genome position (GRCh38, 1-based): chr1:244,842,071, A>G. VCF-style: chr1-244842071-A-G. GRCh37 (hg19) VCF-style: chr1-245005373-A-G.
Other names: c.157+13A>G (NM_001312871.1, NM_001312874.1); c.193+13A>G (NM_001312872.1); c.23-124A>G (NM_001312873.1).
Identifiers: ClinVar variation 137017 (VCV000137017.12), dbSNP rs10927335, ClinGen allele CA290493.

ClinVar aggregate classification (germline): Benign. Review status: criteria provided, multiple submitters, no conflicts (2 of 4 stars). 3 submissions from 3 submitters: Benign (3). Last evaluated 2026-02-04.

Allele frequency attached by ClinVar (database versions not stated): gnomAD exomes 0.16255 and 0.16402; ExAC 0.17076; 1000 Genomes Project 0.20986; 1000 Genomes Project 30x 0.21596; gnomAD 0.22795 and 0.23478; TOPMed 0.23924; ESP Exome Variant Server 0.25088.
gnomAD v4.1: 266,490 of 1,570,670 alleles (17%); highest among the groups gnomAD compares: African/African-American, 41%; 26,487 homozygotes.

Submissions (3):

Labcorp Genetics (formerly Invitae), Labcorp
Classification: Benign. Last evaluated: 2026-02-04. Review status: criteria provided, single submitter. Criteria: Invitae Variant Classification Sherloc (09022015). Collection method: clinical testing. Allele origin: germline.

GeneDx
Classification: Benign. Last evaluated: 2013-09-05. Review status: criteria provided, single submitter. Criteria: GeneDx Variant Classification (06012015). Collection method: clinical testing. Allele origin: germline. Affected: yes.
Comment: This variant is considered likely benign or benign based on one or more of the following criteria: it is a conservative change, it occurs at a poorly conserved position in the protein, it is predicted to be benign by multiple in silico algorithms, and/or has population frequency not consistent with disease.

Breakthrough Genomics
Classification: Benign. Review status: criteria provided, single submitter. Criteria: ACMG Guidelines, 2015. Collection method: not provided. Allele origin: germline. Inheritance: Autosomal recessive inheritance. Affected: yes.